The following is an entry in ClinVar:

ClinVar aggregate classification (germline): Uncertain significance (1 of 4 stars; one submission).

Conditions:
Inborn genetic diseases. Identifiers: MedGen C0950123, MeSH D030342.

Submission:

Ambry Genetics
Classification: Uncertain significance for Inborn genetic diseases. Last evaluated: 2024-11-28. Review status: criteria provided, single submitter. Criteria: Ambry Variant Classification Scheme 2023. Collection method: clinical testing. Allele origin: germline.
Comment: The p.K273N variant (also known as c.819G>C), located in coding exon 1 of the CEBPA gene, results from a G to C substitution at nucleotide position 819. The lysine at codon 273 is replaced by asparagine, an amino acid with similar properties. This amino acid position is conserved. In addition, this alteration is predicted to be tolerated by in silico analysis. Based on the available evidence, the clinical significance of this variant remains unclear.

NM_004364.5(CEBPA):c.819G>C (p.Lys273Asn)

Gene: CEBPA (CCAAT enhancer binding protein alpha; minus strand). Cytogenetic location: 19q13.11.
Variant type: single nucleotide variant.
Coding change: c.819G>C on transcript NM_004364.5 (MANE Select); coding-DNA position 819, G replaced by C.
Protein change: p.Lys273Asn; replaces lysine 273 with asparagine.
Molecular consequence: missense variant.
Genome position (GRCh38, 1-based): chr19:33,301,596, C>G on the plus strand (G>C on the coding strand, the complement: CEBPA is on the minus strand). VCF-style: chr19-33301596-C-G. GRCh37 (hg19) VCF-style: chr19-33792502-C-G.
Other names: c.462G>C, p.Lys154Asn (NM_001285829.2); c.924G>C, p.Lys308Asn (NM_001287424.2); c.777G>C, p.Lys259Asn (NM_001287435.2); short protein forms K273N, K154N, K259N, K308N.
Identifiers: ClinVar variation 3489912 (VCV003489912.1).
Genomic context (GRCh38, chr19:33,301,596, plus strand): 5'-GTTGTTGCGCTCGCGCCGCACCCGGTACTCGTTGCTGTTCTTGTCCACCGACTTCTTGGC[C>G]TTGCCCGCGCCGCTGCCGCCACTCGCGCGGAGGTCGGGGTGCGCGGCGCCCAGCCCCTTG-3'
Protein context (NP_004355.2, residues 263-283): LRASGGSGAG[Lys273Asn]AKKSVDKNSN